The following is an entry in ClinVar:

NM_001243133.2(NLRP3):c.908A>C (p.Asp303Ala)

Gene: NLRP3 (NLR family pyrin domain containing 3; plus strand). Cytogenetic location: 1q44.
Variant type: single nucleotide variant.
Coding change: c.908A>C on transcript NM_001243133.2 (MANE Select); coding-DNA position 908, A replaced by C.
Protein change: p.Asp303Ala; replaces aspartic acid 303 with alanine.
Molecular consequence: missense variant.
Genome position (GRCh38, 1-based): chr1:247,424,357, A>C. VCF-style: chr1-247424357-A-C. GRCh37 (hg19) VCF-style: chr1-247587659-A-C.
Other names: p.Asp305Ala; c.908A>C, p.Asp303Ala (NM_001079821.3, NM_001127461.3, NM_001127462.3 and 1 more transcripts); c.914A>C, p.Asp305Ala (NM_004895.5); short protein forms D303A, D305A.
Identifiers: ClinVar variation 3381130 (VCV003381130.1).

ClinVar aggregate classification (germline): Likely pathogenic (1 of 4 stars; one submission).

Submission:

Mayo Clinic Laboratories, Mayo Clinic
Classification: Likely pathogenic. Last evaluated: 2023-09-14. Review status: criteria provided, single submitter. Criteria: ACMG Guidelines, 2015. Collection method: clinical testing. Allele origin: germline. Observed: 1 variant allele.
Comment: PP3, PM2, PM5, PM6, PS3_supporting

Literature cited by the submitters: PubMed 24326009; PubMed 30273710.